The following is an entry in ClinVar:

NM_001379291.1(BRD4):c.3829G>A (p.Glu1277Lys)

Gene: BRD4 (bromodomain containing 4; minus strand). Cytogenetic location: 19p13.12.
Variant type: single nucleotide variant.
Coding change: c.3829G>A on transcript NM_001379291.1 (MANE Select); coding-DNA position 3829, G replaced by A.
Protein change: p.Glu1277Lys; replaces glutamic acid 1277 with lysine.
Molecular consequence: missense variant.
Genome position (GRCh38, 1-based): chr19:15,238,934, C>T on the plus strand (G>A on the coding strand, the complement: BRD4 is on the minus strand). VCF-style: chr19-15238934-C-T. GRCh37 (hg19) VCF-style: chr19-15349745-C-T.
Other names: c.3829G>A, p.Glu1277Lys (NM_058243.3); short protein forms E1277K.
Identifiers: ClinVar variation 3684714 (VCV003684714.2).

ClinVar aggregate classification (germline): Uncertain significance (1 of 4 stars; one submission).

gnomAD v4.1: 2 of 1,598,702 alleles (0.00013%); highest among the groups gnomAD compares: Non-Finnish European, 0.000085%; no homozygotes.

Submission:

Labcorp Genetics (formerly Invitae), Labcorp
Classification: Uncertain significance. Last evaluated: 2024-02-13. Review status: criteria provided, single submitter. Criteria: Invitae Variant Classification Sherloc (09022015). Collection method: clinical testing. Allele origin: germline.
Comment: This sequence change replaces glutamic acid, which is acidic and polar, with lysine, which is basic and polar, at codon 1277 of the BRD4 protein (p.Glu1277Lys). This variant is not present in population databases (gnomAD no frequency). This variant has not been reported in the literature in individuals affected with BRD4-related conditions. An algorithm developed to predict the effect of missense changes on protein structure and function (PolyPhen-2) suggests that this variant is likely to be tolerated. In summary, the available evidence is currently insufficient to determine the role of this variant in disease. Therefore, it has been classified as a Variant of Uncertain Significance.